The following is an entry in ClinVar:

ClinVar aggregate classification (germline): Uncertain significance (1 of 4 stars; one submission).

gnomAD v4.1: 1 of 1,613,956 alleles (0.000062%); no homozygotes.

Submission:

GeneDx
Classification: Uncertain significance. Last evaluated: 2026-01-29. Review status: criteria provided, single submitter. Criteria: GeneDx Variant Classification Process June 2021. Collection method: clinical testing. Allele origin: germline.
Comment: Not observed at significant frequency in large population cohorts (gnomAD); In silico analysis supports that this missense variant has a deleterious effect on protein structure/function; Has not been previously published as pathogenic or benign to our knowledge

NM_004958.4(MTOR):c.6221A>G (p.Tyr2074Cys)

Gene: MTOR (mechanistic target of rapamycin kinase; minus strand). Cytogenetic location: 1p36.22.
Variant type: single nucleotide variant.
Coding change: c.6221A>G on transcript NM_004958.4 (MANE Select); coding-DNA position 6221, A replaced by G.
Protein change: p.Tyr2074Cys; replaces tyrosine 2074 with cysteine.
Molecular consequence: missense variant.
Genome position (GRCh38, 1-based): chr1:11,127,140, T>C on the plus strand (A>G on the coding strand, the complement: MTOR is on the minus strand). VCF-style: chr1-11127140-T-C. GRCh37 (hg19) VCF-style: chr1-11187197-T-C.
Other names: c.6221A>G, p.Tyr2074Cys (NM_001386500.1); c.4973A>G, p.Tyr1658Cys (NM_001386501.1); short protein forms Y1658C, Y2074C.
Identifiers: ClinVar variation 4887900 (VCV004887900.1).